The following is an entry in ClinVar:

ClinVar aggregate classification (germline): Uncertain significance (1 of 4 stars; one submission).

Submission:

GeneDx
Classification: Uncertain significance. Last evaluated: 2024-10-30. Review status: criteria provided, single submitter. Criteria: GeneDx Variant Classification Process June 2021. Collection method: clinical testing. Allele origin: germline. Affected: yes.
Comment: Not observed at significant frequency in large population cohorts (gnomAD); In silico analysis supports that this missense variant has a deleterious effect on protein structure/function; Has not been previously published as pathogenic or benign to our knowledge

NM_001170629.2(CHD8):c.5255T>C (p.Leu1752Pro)

Gene: CHD8 (chromodomain helicase DNA binding protein 8; minus strand). Cytogenetic location: 14q11.2.
Variant type: single nucleotide variant.
Coding change: c.5255T>C on transcript NM_001170629.2 (MANE Select); coding-DNA position 5255, T replaced by C.
Protein change: p.Leu1752Pro; replaces leucine 1752 with proline.
Molecular consequence: missense variant.
Genome position (GRCh38, 1-based): chr14:21,395,047, A>G on the plus strand (T>C on the coding strand, the complement: CHD8 is on the minus strand). VCF-style: chr14-21395047-A-G. GRCh37 (hg19) VCF-style: chr14-21863206-A-G.
Other names: c.4418T>C, p.Leu1473Pro (NM_020920.4); short protein forms L1473P, L1752P.
Identifiers: ClinVar variation 3897495 (VCV003897495.1).